The following is an entry in ClinVar:

ClinVar aggregate classification (germline): Likely benign. Review status: criteria provided, multiple submitters, no conflicts (2 of 4 stars). 2 submissions from 2 submitters: Likely benign (2). Last evaluated 2025-03-31.

Conditions:
Hereditary spastic paraplegia 28. Also called: Spastic paraplegia 28, autosomal recessive. Identifiers: Orphanet 101008, MedGen C1836295, MONDO:0012256, OMIM 609340.

Allele frequency attached by ClinVar (database versions not stated): gnomAD 0.00001; ExAC 0.00002; TOPMed 0.00003; gnomAD exomes 0.00004 and 0.00005.
gnomAD v4.1: 84 of 1,613,592 alleles (0.0052%); highest among the groups gnomAD compares: Non-Finnish European, 0.0066%; no homozygotes.

Submissions (2):

Labcorp Genetics (formerly Invitae), Labcorp
Classification: Likely benign for Hereditary spastic paraplegia 28. Last evaluated: 2025-03-31. Review status: criteria provided, single submitter. Criteria: Invitae Variant Classification Sherloc (09022015). Collection method: clinical testing. Allele origin: germline.

CeGaT Center for Human Genetics Tuebingen
Classification: Likely benign. Last evaluated: 2023-05-01. Review status: criteria provided, single submitter. Criteria: CeGaT Center For Human Genetics Tuebingen Variant Classification Criteria Version 2. Collection method: clinical testing. Allele origin: germline. Affected: yes. Observed: 1 variant allele.
Comment: DDHD1: BP4, BP7

NM_001160148.2(DDHD1):c.1905C>G (p.Arg635=)

Gene: DDHD1 (DDHD domain containing 1; minus strand). Cytogenetic location: 14q22.1.
Variant type: single nucleotide variant.
Coding change: c.1905C>G on transcript NM_001160148.2 (MANE Select); coding-DNA position 1905, C replaced by G.
Protein change: p.Arg635=; no amino-acid change (arginine 635 retained).
Molecular consequence: synonymous variant.
Genome position (GRCh38, 1-based): chr14:53,058,564, G>C on the plus strand (C>G on the coding strand, the complement: DDHD1 is on the minus strand). VCF-style: chr14-53058564-G-C. GRCh37 (hg19) VCF-style: chr14-53525282-G-C.
Other names: c.1926C>G, p.Arg642= (NM_001160147.2); c.1905C>G, p.Arg635= (NM_030637.3).
Identifiers: ClinVar variation 1152180 (VCV001152180.32), dbSNP rs780940236, ClinGen allele CA7191093.
Genomic context (GRCh38, chr14:53,058,564, plus strand): 5'-TAGTAACCGGTTACAAATCTCTCTAGGCAAAATATGGTCTTGACTTCCAGTATTTCCTGG[G>C]CGGATGCCACGCAACGCCAAGAAAACTGCTAATGGGGATCCCATACAGAAGAAATTCTCA-3'
Protein context (NP_001153620.1, residues 625-645): LAVFLALRGI[Arg635=]PGNTGSQDHI